The following is an entry in ClinVar:

NM_002381.5(MATN3):c.416C>A (p.Ala139Asp)

Gene: MATN3 (matrilin 3; minus strand). Cytogenetic location: 2p24.1.
Variant type: single nucleotide variant.
Coding change: c.416C>A on transcript NM_002381.5 (MANE Select); coding-DNA position 416, C replaced by A.
Protein change: p.Ala139Asp; replaces alanine 139 with aspartic acid.
Molecular consequence: missense variant.
Genome position (GRCh38, 1-based): chr2:20,006,118, G>T on the plus strand (C>A on the coding strand, the complement: MATN3 is on the minus strand). VCF-style: chr2-20006118-G-T. GRCh37 (hg19) VCF-style: chr2-20205879-G-T.
Other names: short protein forms A139D.
Identifiers: ClinVar variation 2724111 (VCV002724111.3), dbSNP rs765511174, ClinGen allele CA345951139.

ClinVar aggregate classification (germline): Uncertain significance (1 of 4 stars; one submission).

Submission:

Labcorp Genetics (formerly Invitae), Labcorp
Classification: Uncertain significance. Last evaluated: 2024-10-22. Review status: criteria provided, single submitter. Criteria: Invitae Variant Classification Sherloc (09022015). Collection method: clinical testing. Allele origin: germline.
Comment: This sequence change replaces alanine, which is neutral and non-polar, with aspartic acid, which is acidic and polar, at codon 139 of the MATN3 protein (p.Ala139Asp). This variant is not present in population databases (gnomAD no frequency). This variant has not been reported in the literature in individuals affected with MATN3-related conditions. Invitae Evidence Modeling of protein sequence and biophysical properties (such as structural, functional, and spatial information, amino acid conservation, physicochemical variation, residue mobility, and thermodynamic stability) indicates that this missense variant is not expected to disrupt MATN3 protein function with a negative predictive value of 80%. In summary, the available evidence is currently insufficient to determine the role of this variant in disease. Therefore, it has been classified as a Variant of Uncertain Significance.